The following is an entry in ClinVar:

NM_005591.4(MRE11):c.1216G>A (p.Glu406Lys)

Gene: MRE11 (MRE11 double strand break repair nuclease; minus strand). Cytogenetic location: 11q21.
Variant type: single nucleotide variant.
Coding change: c.1216G>A on transcript NM_005591.4 (MANE Select); coding-DNA position 1216, G replaced by A.
Protein change: p.Glu406Lys; replaces glutamic acid 406 with lysine.
Molecular consequence: missense variant.
Genome position (GRCh38, 1-based): chr11:94,464,122, C>T on the plus strand (G>A on the coding strand, the complement: MRE11 is on the minus strand). VCF-style: chr11-94464122-C-T. GRCh37 (hg19) VCF-style: chr11-94197288-C-T.
Other names: c.1216G>A, p.Glu406Lys (NM_001330347.2, NM_005590.4); short protein forms E406K.
Identifiers: ClinVar variation 1206035 (VCV001206035.4), dbSNP rs1205023888, ClinGen allele CA382372659.

ClinVar aggregate classification (germline): Uncertain significance. Review status: criteria provided, single submitter (1 of 4 stars). 3 submissions from 3 submitters: Uncertain significance (1). 2 of the submissions do not count toward it. Last evaluated 2015-12-06.

Conditions:
Hereditary cancer-predisposing syndrome. Also called: Neoplastic Syndromes, Hereditary; Hereditary neoplastic syndrome; Hereditary Cancer Syndrome; Tumor predisposition. Identifiers: Orphanet 140162, MedGen C0027672, MeSH D009386, MONDO:0015356.

Submissions (3):

Ambry Genetics
Classification: Uncertain significance for Hereditary cancer-predisposing syndrome. Last evaluated: 2015-12-06. Review status: criteria provided, single submitter. Criteria: Ambry Variant Classification Scheme 2023. Collection method: clinical testing. Allele origin: germline.
Comment: The p.E406K variant (also known as c.1216G>A), located in coding exon 10 of the MRE11A gene, results from a G to A substitution at nucleotide position 1216. The glutamic acid at codon 406 is replaced by lysine, an amino acid with similar properties. This variant was not reported in population based cohorts in the following databases: Database of Single Nucleotide Polymorphisms (dbSNP), NHLBI Exome Sequencing Project (ESP), and 1000 Genomes Project. In the ESP, this variant was not observed in 6499 samples (12998 alleles) with coverage at this position. To date, this alteration has been detected with an allele frequency of approximately 0.001% (greater than 120000 alleles tested) in our clinical cohort. This amino acid position is not well conserved in available vertebrate species. In addition, this alteration is predicted to be tolerated by in silico analysis. Since supporting evidence is limited at this time, the clinical significance of p.E406K remains unclear.

Clinical Genetics DNA and cytogenetics Diagnostics Lab, Erasmus MC, Erasmus Medical Center
Classification: Likely benign. Review status: no assertion criteria provided. Collection method: clinical testing. Allele origin: germline. Affected: yes. Study: VKGL Data-share Consensus. Not counted in ClinVar's aggregate classification.

Laboratory of Diagnostic Genome Analysis, Leiden University Medical Center (LUMC)
Classification: Likely benign. Review status: no assertion criteria provided. Collection method: clinical testing. Allele origin: germline. Affected: yes. Study: VKGL Data-share Consensus. Not counted in ClinVar's aggregate classification.